The following is an entry in ClinVar:

ClinVar aggregate classification (germline): Benign (1 of 4 stars; one submission).

Allele frequency attached by ClinVar (database versions not stated): 1000 Genomes Project 30x 0.66162; gnomAD 0.66522 and 0.67300; 1000 Genomes Project 0.67692; gnomAD exomes 0.77392.

Submission:

GeneDx
Classification: Benign. Last evaluated: 2018-06-14. Review status: criteria provided, single submitter. Criteria: GeneDx Variant Classification (06012015). Collection method: clinical testing. Allele origin: germline. Affected: yes.
Comment: This variant is considered likely benign or benign based on one or more of the following criteria: it is a conservative change, it occurs at a poorly conserved position in the protein, it is predicted to be benign by multiple in silico algorithms, and/or has population frequency not consistent with disease.

NM_020191.4(MRPS22):c.649-295del

Gene: MRPS22 (mitochondrial ribosomal protein S22; plus strand). Cytogenetic location: 3q23.
Variant type: Deletion.
Coding change: c.649-295del on transcript NM_020191.4 (MANE Select); 295 bases into the intron before coding-DNA position 649, one base deleted (G; older notation c.649-295delG).
Molecular consequence: intron variant.
Genome position (GRCh38, 1-based): chr3:139,350,682, G deleted. VCF-style (leftmost placement, unchanged base first): chr3-139350681-CG-C. GRCh37 (hg19) VCF-style: chr3-139069523-CG-C.
Other names: c.646-295del (NM_001363893.1); c.526-295del (NM_001363857.1).
Identifiers: ClinVar variation 682637 (VCV000682637.1), dbSNP rs112795230, ClinGen allele CA83994635.